The following is an entry in ClinVar:

ClinVar aggregate classification (germline): Uncertain significance (1 of 4 stars; one submission).

Conditions:
Fanconi anemia (FA). Also called: Fanconi's anemia. Identifiers: Orphanet 84, MedGen C0015625, MeSH D005199, MONDO:0019391.

Submission:

Labcorp Genetics (formerly Invitae), Labcorp
Classification: Uncertain significance for Fanconi anemia. Last evaluated: 2024-08-27. Review status: criteria provided, single submitter. Criteria: Invitae Variant Classification Sherloc (09022015). Collection method: clinical testing. Allele origin: germline.
Comment: This sequence change replaces glutamine, which is neutral and polar, with arginine, which is basic and polar, at codon 158 of the FANCF protein (p.Gln158Arg). This variant is not present in population databases (gnomAD no frequency). This variant has not been reported in the literature in individuals affected with FANCF-related conditions. ClinVar contains an entry for this variant (Variation ID: 2151020). Invitae Evidence Modeling of protein sequence and biophysical properties (such as structural, functional, and spatial information, amino acid conservation, physicochemical variation, residue mobility, and thermodynamic stability) indicates that this missense variant is not expected to disrupt FANCF protein function with a negative predictive value of 80%. In summary, the available evidence is currently insufficient to determine the role of this variant in disease. Therefore, it has been classified as a Variant of Uncertain Significance.

NM_022725.4(FANCF):c.473A>G (p.Gln158Arg)

Gene: FANCF (FA complementation group F; minus strand). Cytogenetic location: 11p14.3.
Variant type: single nucleotide variant.
Coding change: c.473A>G on transcript NM_022725.4 (MANE Select); coding-DNA position 473, A replaced by G.
Protein change: p.Gln158Arg; replaces glutamine 158 with arginine.
Molecular consequence: missense variant.
Genome position (GRCh38, 1-based): chr11:22,625,338, T>C on the plus strand (A>G on the coding strand, the complement: FANCF is on the minus strand). VCF-style: chr11-22625338-T-C. GRCh37 (hg19) VCF-style: chr11-22646884-T-C.
Other names: short protein forms Q158R.
Identifiers: ClinVar variation 2151020 (VCV002151020.3), dbSNP rs2494866835, ClinGen allele CA380058979.